The following is an entry in ClinVar:

NM_000334.4(SCN4A):c.5181G>A (p.Glu1727=)

Genes: GH-LCR (growth hormone locus control region; plus strand), SCN4A (sodium voltage-gated channel alpha subunit 4; minus strand). Cytogenetic location: 17q23.3.
Variant type: single nucleotide variant.
Coding change: c.5181G>A on transcript NM_000334.4 (MANE Select); coding-DNA position 5181, G replaced by A.
Protein change: p.Glu1727=; no amino-acid change (glutamic acid 1727 retained).
Molecular consequence: synonymous variant.
Genome position (GRCh38, 1-based): chr17:63,941,101, C>T on the plus strand (G>A on the coding strand, the complement: SCN4A is on the minus strand). VCF-style: chr17-63941101-C-T. GRCh37 (hg19) VCF-style: chr17-62018461-C-T.
Other names: p.Glu1727=.
Identifiers: ClinVar variation 477426 (VCV000477426.58), dbSNP rs368263333, ClinGen allele CA8708825.
Genomic context (GRCh38, chr17:63,941,101, plus strand): 5'-CATGGAGCGCTGTAGCAGGTGCCGGCGGTAGGCCCTCTGGATCTTGATGGCGCACACCTC[C>T]TCGTGCTTCCTCTTGAGGGTGGTGGTGATGGGCTCGTAGGACACCTTGGAGGGGTTGGCT-3'
Protein context (NP_000325.4, residues 1717-1737): PITTTLKRKH[Glu1727=]EVCAIKIQRA

ClinVar aggregate classification (germline): Conflicting classifications of pathogenicity. Review status: criteria provided, conflicting classifications (1 of 4 stars). 11 submissions from 7 submitters: Uncertain significance (1); Benign (4); Likely benign (5). 1 of the submissions does not count toward it. Last evaluated 2026-01-20.

Conditions:
Congenital myasthenic syndrome 16. Identifiers: Orphanet 590, MedGen C3280112, MONDO:0013620, OMIM 614198.
SCN4A-related disorder. Also called: SCN4A-related disorders.
Paramyotonia congenita of Von Eulenburg. Also called: PARALYSIS PERIODICA PARAMYOTONICA; Paramyotonia Congenita; Eulenburg disease; Myotonia congenita intermittens; Von Eulenburg paramyotonia congenita. Identifiers: Orphanet 684, MedGen C0221055, MONDO:0008195, OMIM 168300. Disease mechanism: loss of function.
Potassium-aggravated myotonia. Also called: MYOTONIA CONGENITA, ACETAZOLAMIDE-RESPONSIVE; MYOTONIA CONGENITA, ATYPICAL; Myotonia congenita, atypical, acetazolamide-responsive; SODIUM CHANNEL MUSCLE DISEASE. Identifiers: Orphanet 612, Orphanet 99734, Orphanet 99735, Orphanet 99736, MedGen C2931826, MONDO:0018959, OMIM 608390.
Hypokalemic periodic paralysis, type 2 (HOKPP2). Identifiers: Orphanet 681, MedGen C2750061, MONDO:0013234, OMIM 613345.
Hyperkalemic periodic paralysis. Also called: Familial hyperkalemic periodic paralysis; Gamstorp disease. Identifiers: Orphanet 682, MedGen C0238357, MONDO:0008224, OMIM 170500, HP:0007215.

Allele frequency attached by ClinVar (database versions not stated): TOPMed 0.00019; gnomAD 0.00025 and 0.00027; gnomAD exomes 0.00020; ESP Exome Variant Server 0.00008; ExAC 0.00020.
gnomAD v4.1: 322 of 1,613,882 alleles (0.02%); highest among the groups gnomAD compares: Non-Finnish European, 0.026%; no homozygotes.

Submissions (11):

Labcorp Genetics (formerly Invitae), Labcorp
Classification: Likely benign for Hyperkalemic periodic paralysis. Last evaluated: 2026-01-20. Review status: criteria provided, single submitter. Criteria: Invitae Variant Classification Sherloc (09022015). Collection method: clinical testing. Allele origin: germline.

CeGaT Center for Human Genetics Tuebingen
Classification: Likely benign. Last evaluated: 2026-01-01. Review status: criteria provided, single submitter. Criteria: CeGaT Center For Human Genetics Tuebingen Variant Classification Criteria Version 2. Collection method: clinical testing. Allele origin: germline. Affected: yes. Observed: 6 variant alleles.
Comment: SCN4A: BP4, BP7

Mayo Clinic Laboratories, Mayo Clinic
Classification: Likely benign. Last evaluated: 2024-12-30. Review status: criteria provided, single submitter. Criteria: ACMG Guidelines, 2015. Collection method: clinical testing. Allele origin: germline. Observed: 1 variant allele.
Comment: BP4, BP7

Blueprint Genetics
Classification: Likely benign. Last evaluated: 2024-11-15. Review status: criteria provided, single submitter. Criteria: ACMG Guidelines, 2015. Collection method: clinical testing. Allele origin: germline.

GeneDx
Classification: Likely benign. Last evaluated: 2020-09-15. Review status: criteria provided, single submitter. Criteria: GeneDx Variant Classification Process June 2021. Collection method: clinical testing. Allele origin: germline. Affected: yes.

Illumina Laboratory Services, Illumina
Classification: Benign for Potassium-aggravated myotonia. Last evaluated: 2017-09-26. Review status: criteria provided, single submitter. Criteria: ICSL Variant Classification Criteria 13 December 2019. Collection method: clinical testing. Allele origin: germline.
Comment: This variant was observed as part of a predisposition screen in an ostensibly healthy population. A literature search was performed for the gene, cDNA change, and amino acid change (where applicable). No publications were found based on this search. Allele frequency data from public databases was too high to be consistent with this variant causing disease. Therefore, this variant is classified as benign.

Illumina Laboratory Services, Illumina
Classification: Benign for Paramyotonia congenita of Von Eulenburg. Last evaluated: 2017-09-26. Review status: criteria provided, single submitter. Criteria: ICSL Variant Classification Criteria 13 December 2019. Collection method: clinical testing. Allele origin: germline.
Comment: the same text as in the submission from Illumina Laboratory Services, Illumina above.

Illumina Laboratory Services, Illumina
Classification: Benign for Hypokalemic periodic paralysis, type 2. Last evaluated: 2017-09-26. Review status: criteria provided, single submitter. Criteria: ICSL Variant Classification Criteria 13 December 2019. Collection method: clinical testing. Allele origin: germline.
Comment: the same text as in the submission from Illumina Laboratory Services, Illumina above.

Illumina Laboratory Services, Illumina
Classification: Benign for Hyperkalemic periodic paralysis. Last evaluated: 2017-09-26. Review status: criteria provided, single submitter. Criteria: ICSL Variant Classification Criteria 13 December 2019. Collection method: clinical testing. Allele origin: germline.
Comment: the same text as in the submission from Illumina Laboratory Services, Illumina above.

Illumina Laboratory Services, Illumina
Classification: Uncertain significance for Congenital myasthenic syndrome 16. Last evaluated: 2017-04-27. Review status: criteria provided, single submitter. Criteria: ICSL Variant Classification Criteria 13 December 2019. Collection method: clinical testing. Allele origin: germline.

PreventionGenetics, part of Exact Sciences
Classification: Likely benign for SCN4A-related condition. Last evaluated: 2019-03-05. Review status: no assertion criteria provided. Collection method: clinical testing. Allele origin: germline. Not counted in ClinVar's aggregate classification.
Comment: This variant is classified as likely benign based on ACMG/AMP sequence variant interpretation guidelines (Richards et al. 2015 PMID: 25741868, with internal and published modifications).